The following is an entry in ClinVar:

ClinVar aggregate classification (germline): Benign. Review status: criteria provided, multiple submitters, no conflicts (2 of 4 stars). 10 submissions from 10 submitters: Benign (8). 2 of the submissions do not count toward it. Last evaluated 2026-02-04.

Conditions:
Megalencephalic leukoencephalopathy with subcortical cysts. Also called: VAN DER KNAAP DISEASE. Identifiers: Orphanet 2478, MedGen C1858854, MONDO:0011391.
Megalencephalic leukoencephalopathy with subcortical cysts 1 (MLC1). Also called: LEUKOENCEPHALOPATHY WITH SWELLING AND CYSTS; VACUOLATING MEGALENCEPHALIC LEUKOENCEPHALOPATHY WITH SUBCORTICAL CYSTS. Identifiers: Orphanet 2478, MedGen C5779875, MONDO:0024555, OMIM 604004.

Allele frequency attached by ClinVar (database versions not stated): ESP Exome Variant Server 0.11061; gnomAD 0.11704 and 0.12169; TOPMed 0.12389; gnomAD exomes 0.12729 and 0.14929; 1000 Genomes Project 30x 0.12992; 1000 Genomes Project 0.13159.
gnomAD v4.1: 232,094 of 1,585,140 alleles (15%); highest among the groups gnomAD compares: South Asian, 22%; 17,829 homozygotes.

Submissions (10):

Labcorp Genetics (formerly Invitae), Labcorp
Classification: Benign. Last evaluated: 2026-02-04. Review status: criteria provided, single submitter. Criteria: Invitae Variant Classification Sherloc (09022015). Collection method: clinical testing. Allele origin: germline.

Blueprint Genetics
Classification: Benign. Last evaluated: 2024-11-28. Review status: criteria provided, single submitter. Criteria: ACMG Guidelines, 2015. Collection method: clinical testing. Allele origin: germline.

Mayo Clinic Laboratories, Mayo Clinic
Classification: Benign. Last evaluated: 2022-03-24. Review status: criteria provided, single submitter. Criteria: ACMG Guidelines, 2015. Collection method: clinical testing. Allele origin: germline. Observed: 120 variant alleles.

Genome-Nilou Lab
Classification: Benign for Megalencephalic leukoencephalopathy with subcortical cysts 1. Last evaluated: 2021-06-10. Review status: criteria provided, single submitter. Criteria: ACMG Guidelines, 2015. Collection method: clinical testing. Allele origin: germline. Affected: no.

GeneDx
Classification: Benign. Last evaluated: 2018-09-20. Review status: criteria provided, single submitter. Criteria: GeneDx Variant Classification Process June 2021. Collection method: clinical testing. Allele origin: germline. Affected: yes.

Illumina Laboratory Services, Illumina
Classification: Benign for Megalencephalic leukoencephalopathy with subcortical cysts 1. Last evaluated: 2018-01-13. Review status: criteria provided, single submitter. Criteria: ICSL Variant Classification Criteria 13 December 2019. Collection method: clinical testing. Allele origin: germline.
Comment: This variant was observed in the ICSL laboratory as part of a predisposition screen in an ostensibly healthy population. It had not been previously curated by ICSL or reported in the Human Gene Mutation Database (HGMD: prior to June 1st, 2018), and was therefore a candidate for classification through an automated scoring system. Utilizing variant allele frequency, disease prevalence and penetrance estimates, and inheritance mode, an automated score was calculated to assess if this variant is too frequent to cause the disease. Based on the score and internal cut-off values, a variant classified as benign is not then subjected to further curation. The score for this variant resulted in a classification of benign for this disease.

Breakthrough Genomics
Classification: Benign. Review status: criteria provided, single submitter. Criteria: ACMG Guidelines, 2015. Collection method: not provided. Allele origin: germline. Inheritance: Autosomal recessive inheritance. Affected: yes.

PreventionGenetics, part of Exact Sciences
Classification: Benign. Review status: criteria provided, single submitter. Criteria: ACMG Guidelines, 2015. Collection method: clinical testing. Allele origin: germline.

Natera, Inc.
Classification: Benign for Megalencephalic leukoencephalopathy with subcortical cysts. Last evaluated: 2019-11-20. Review status: no assertion criteria provided. Collection method: clinical testing. Allele origin: germline. Not counted in ClinVar's aggregate classification.

Genetic Services Laboratory, University of Chicago
Classification: Likely benign for AllHighlyPenetrant. Review status: no assertion criteria provided. Collection method: clinical testing. Allele origin: germline. Inheritance: Autosomal recessive inheritance. Not counted in ClinVar's aggregate classification.
Comment: Likely benign based on allele frequency in 1000 Genomes Project or ESP global frequency and its presence in a patient with a rare or unrelated disease phenotype. NOT Sanger confirmed.

NM_015166.4(MLC1):c.895-9C>T

Gene: MLC1 (modulator of VRAC current 1; minus strand). Cytogenetic location: 22q13.33.
Variant type: single nucleotide variant.
Coding change: c.895-9C>T on transcript NM_015166.4 (MANE Select); 9 bases into the intron before coding-DNA position 895, C replaced by T.
Molecular consequence: intron variant.
Genome position (GRCh38, 1-based): chr22:50,064,207, G>A on the plus strand (C>T on the coding strand, the complement: MLC1 is on the minus strand). VCF-style: chr22-50064207-G-A. GRCh37 (hg19) VCF-style: chr22-50502636-G-A.
Other names: p.?; c.895-9C>T (NM_001376474.1, NM_001376475.1, NM_001376476.1 and 5 more transcripts); c.658-9C>T (NM_001376484.1); c.805-9C>T (NM_001376480.1); c.739-9C>T (NM_001376482.1, NM_001376483.1); c.793-9C>T (NM_001376481.1); c.838-9C>T (NM_001376479.1).
Identifiers: ClinVar variation 129616 (VCV000129616.26), dbSNP rs11568185, ClinGen allele CA153708.
Genomic context (GRCh38, chr22:50,064,207, plus strand): 5'-CCTGCAGCAGGAGCACTAGCAGCAGCAGCAGCAGCAGCACATCGTAGGATGGCTGCAGGC[G>A]GAAGGAGGTGTGAGCAGAGTGGCCCAGCCGCCCTCCAGCCCAGGAGACCAAAGCTCCCTC-3'